The following is an entry in ClinVar:

NM_001365999.1(SZT2):c.6397-1G>C

Gene: SZT2 (SZT2 subunit of KICSTOR complex; plus strand). Cytogenetic location: 1p34.2.
Variant type: single nucleotide variant.
Coding change: c.6397-1G>C on transcript NM_001365999.1 (MANE Select); the canonical splice acceptor site of the intron before coding-DNA position 6397, G replaced by C.
Molecular consequence: splice acceptor variant.
Genome position (GRCh38, 1-based): chr1:43,437,790, G>C. VCF-style: chr1-43437790-G-C. GRCh37 (hg19) VCF-style: chr1-43903461-G-C.
Other names: c.6226-1G>C (NM_015284.4).
Identifiers: ClinVar variation 1973434 (VCV001973434.5), dbSNP rs2545841958, ClinGen allele CA340029487.

ClinVar aggregate classification (germline): Likely pathogenic (1 of 4 stars; one submission).

Submission:

Labcorp Genetics (formerly Invitae), Labcorp
Classification: Likely pathogenic. Last evaluated: 2022-05-04. Review status: criteria provided, single submitter. Criteria: Invitae Variant Classification Sherloc (09022015). Collection method: clinical testing. Allele origin: germline.
Comment: Algorithms developed to predict the effect of sequence changes on RNA splicing suggest that this variant may disrupt the consensus splice site. This sequence change affects an acceptor splice site in intron 44 of the SZT2 gene. It is expected to disrupt RNA splicing. Variants that disrupt the donor or acceptor splice site typically lead to a loss of protein function (PMID: 16199547), and loss-of-function variants in SZT2 are known to be pathogenic (PMID: 23932106, 27248490, 28556953). This variant is not present in population databases (gnomAD no frequency). This variant has not been reported in the literature in individuals affected with SZT2-related conditions. In summary, the currently available evidence indicates that the variant is pathogenic, but additional data are needed to prove that conclusively. Therefore, this variant has been classified as Likely Pathogenic.

Literature cited by the submitters: PubMed 16199547; PubMed 23932106; PubMed 27248490; PubMed 28556953.